The following is an entry in ClinVar:

NM_001429.4(EP300):c.6228C>G (p.Ala2076=)

Gene: EP300 (E1A binding protein p300; plus strand). Cytogenetic location: 22q13.2.
Variant type: single nucleotide variant.
Coding change: c.6228C>G on transcript NM_001429.4 (MANE Select); coding-DNA position 6228, C replaced by G.
Protein change: p.Ala2076=; no amino-acid change (alanine 2076 retained).
Molecular consequence: synonymous variant.
Genome position (GRCh38, 1-based): chr22:41,177,939, C>G. VCF-style: chr22-41177939-C-G. GRCh37 (hg19) VCF-style: chr22-41573943-C-G.
Other names: c.6150C>G, p.Ala2050= (NM_001362843.2).
Identifiers: ClinVar variation 3355729 (VCV003355729.1).

ClinVar aggregate classification (germline): Likely benign (0 of 4 stars; one submission).

Conditions:
EP300-related disorder. Also called: EP300-related disorders; EP300-related condition.

gnomAD v4.1: 1 of 1,614,212 alleles (0.000062%); highest among the groups gnomAD compares: Non-Finnish European, 0.000085%; no homozygotes.

Submission:

PreventionGenetics, part of Exact Sciences
Classification: Likely benign for EP300-related condition. Last evaluated: 2022-02-17. Review status: no assertion criteria provided. Collection method: clinical testing. Allele origin: germline.
Comment: This variant is classified as likely benign based on ACMG/AMP sequence variant interpretation guidelines (Richards et al. 2015 PMID: 25741868, with internal and published modifications).